The following is an entry in ClinVar:

ClinVar aggregate classification (germline): Pathogenic (1 of 4 stars; one submission).

Conditions:
CHARGE syndrome (CHARGE). Also called: Coloboma, heart anomaly, choanal atresia, retardation, genital and ear anomalies; CHARGE association; Hall-Hittner syndrome; Hittner Hirsch Kreh syndrome; CHARGE ASSOCIATION--COLOBOMA, HEART ANOMALY, CHOANAL ATRESIA, RETARDATION, GENITAL AND EAR ANOMALIES. Identifiers: Orphanet 138, MedGen C0265354, MONDO:0008965.

Submission:

Labcorp Genetics (formerly Invitae), Labcorp
Classification: Pathogenic for CHARGE syndrome. Last evaluated: 2021-11-27. Review status: criteria provided, single submitter. Criteria: Invitae Variant Classification Sherloc (09022015). Collection method: clinical testing. Allele origin: germline.
Comment: For these reasons, this variant has been classified as Pathogenic. This variant has not been reported in the literature in individuals affected with CHD7-related conditions. This variant is not present in population databases (gnomAD no frequency). This sequence change creates a premature translational stop signal (p.Gln1723Argfs*9) in the CHD7 gene. It is expected to result in an absent or disrupted protein product. Loss-of-function variants in CHD7 are known to be pathogenic (PMID: 22461308, 25077900).

Literature cited by the submitters: PubMed 22461308; PubMed 25077900.

NM_017780.4(CHD7):c.5167del (p.Gln1723fs)

Gene: CHD7 (chromodomain helicase DNA binding protein 7; plus strand). Cytogenetic location: 8q12.2.
Variant type: Deletion.
Coding change: c.5167del on transcript NM_017780.4 (MANE Select); coding-DNA position 5167, one base deleted (C; older notation c.5167delC).
Protein change: p.Gln1723fs; shifts the reading frame from glutamine 1723.
Molecular consequence: frameshift variant. On other transcripts: intron variant (1).
Genome position (GRCh38, 1-based): chr8:60,845,366, C deleted; the last of 2 consecutive C bases (chr8:60,845,365-60,845,366); deleting either gives the same sequence. VCF-style (leftmost placement, unchanged base first): chr8-60845364-TC-T. GRCh37 (hg19) VCF-style: chr8-61757923-TC-T.
Other names: c.1717-16863del (NM_001316690.1); short protein forms Q1723fs.
Identifiers: ClinVar variation 1457523 (VCV001457523.6), dbSNP rs797044919, ClinGen allele CA2573143275.
Genomic context (GRCh38, chr8:60,845,364, plus strand): 5'-GCACACAGCCGGTGGTGCAGGATGCCGACTGGCTGGCCAGCTGCAACCCAGATGCCCTGT[TC>T]CAGGAGGACAGCTACAAGAAACACCTGAAGCATCACTGTAACAAGTATGTTATTAGAGGG-3'